The following is an entry in ClinVar:

ClinVar aggregate classification (germline): Uncertain significance (1 of 4 stars; one submission).

Allele frequency attached by ClinVar (database versions not stated): TOPMed 0.00001; ExAC 0.00002; gnomAD 0.00002; ESP Exome Variant Server 0.00008.
gnomAD v4.1: 3 of 1,600,326 alleles (0.00019%); highest among the groups gnomAD compares: African/African-American, 0.004%; no homozygotes.

Submission:

Labcorp Genetics (formerly Invitae), Labcorp
Classification: Uncertain significance. Last evaluated: 2023-10-05. Review status: criteria provided, single submitter. Criteria: Invitae Variant Classification Sherloc (09022015). Collection method: clinical testing. Allele origin: germline.
Comment: This sequence change replaces methionine, which is neutral and non-polar, with isoleucine, which is neutral and non-polar, at codon 561 of the ITGB3 protein (p.Met561Ile). This variant is present in population databases (rs146310248, gnomAD 0.007%). This variant has not been reported in the literature in individuals affected with ITGB3-related conditions. Advanced modeling of protein sequence and biophysical properties (such as structural, functional, and spatial information, amino acid conservation, physicochemical variation, residue mobility, and thermodynamic stability) performed at Invitae indicates that this missense variant is not expected to disrupt ITGB3 protein function. In summary, the available evidence is currently insufficient to determine the role of this variant in disease. Therefore, it has been classified as a Variant of Uncertain Significance.

NM_000212.3(ITGB3):c.1683G>A (p.Met561Ile)

Gene: ITGB3 (integrin subunit beta 3; plus strand). Cytogenetic location: 17q21.32.
Variant type: single nucleotide variant.
Coding change: c.1683G>A on transcript NM_000212.3 (MANE Select); coding-DNA position 1683, G replaced by A.
Protein change: p.Met561Ile; replaces methionine 561 with isoleucine.
Molecular consequence: missense variant.
Genome position (GRCh38, 1-based): chr17:47,292,561, G>A. VCF-style: chr17-47292561-G-A. GRCh37 (hg19) VCF-style: chr17-45369927-G-A.
Other names: short protein forms M561I.
Identifiers: ClinVar variation 2894037 (VCV002894037.3), dbSNP rs146310248, ClinGen allele CA8623309.